The following is an entry in ClinVar:

NC_012920.1(MT-TH):m.12153C>T

Gene: MT-TH (mitochondrially encoded tRNA histidine; plus strand).
Variant type: single nucleotide variant.
Genome position: chrM-12153-C-T.
Identifiers: ClinVar variation 376983 (VCV000376983.4), dbSNP rs376606918, ClinGen allele CA16603227.

ClinVar aggregate classification (germline): Conflicting classifications of pathogenicity. Review status: criteria provided, conflicting classifications (1 of 4 stars). 2 submissions from 2 submitters: Uncertain significance (1); Benign (1). Last evaluated 2019-07-12.

Conditions:
MELAS syndrome (MELAS). Also called: Juvenile myopathy, encephalopathy, lactic acidosis, stroke. Identifiers: Orphanet 550, MedGen C0162671, MONDO:0010789, OMIM 540000.

Submissions (2):

Wong Mito Lab, Molecular and Human Genetics, Baylor College of Medicine
Classification: Benign for MELAS syndrome. Last evaluated: 2019-07-12. Review status: criteria provided, single submitter. Criteria: Modified ACMG Guidelines (Unpublished). Collection method: clinical testing. Allele origin: germline.
Comment: The NC_012920.1:m.12153C>T variant in MT-TH gene is interpreted to be a Benign variant based on the modified ACMG guidelines (unpublished). This variant meets the following evidence codes reported in the guidelines: BS1, BS2, BP4

Center for Pediatric Genomic Medicine, Children's Mercy Hospital and Clinics
Classification: Uncertain significance. Last evaluated: 2017-01-16. Review status: criteria provided, single submitter. Criteria: ACMG Guidelines, 2015. Collection method: clinical testing. Allele origin: germline.
ClinVar note: Converted during submission from Uncertain Significance to Uncertain significance.

Literature cited by the submitters: PubMed 31965079 (cited by Wong Mito Lab, Molecular and Human Genetics, Baylor College of Medicine).